The following is an entry in ClinVar:

ClinVar aggregate classification (germline): Likely pathogenic (1 of 4 stars; one submission).

Conditions:
Nystagmus 6, congenital, X-linked (NYS6). Identifiers: MedGen C3151752, MONDO:0010435, OMIM 300814.

Submission:

Institute of Medical Genetics and Genomics, Sir Ganga Ram Hospital
Classification: Likely pathogenic for Nystagmus 6, congenital, X-linked. Last evaluated: 2023-06-24. Review status: criteria provided, single submitter. Criteria: ACMG Guidelines, 2015. Collection method: clinical testing. Allele origin: maternal. Inheritance: X-linked recessive inheritance. Affected: yes. Observed: 1 hemizygote.
Comment: ERG suggestive of cone rod dystrophy. This variant is present in the gene GPR143 where loss of function is a reported mechanism for pathogenesis and 57 pathogenic null variants have been reported so far (PVS1_very strong). This variant has not been identified in gnomAD database (PM2_moderate).

NM_000273.3(GPR143):c.349del (p.Val117fs)

Gene: GPR143 (G protein-coupled receptor 143; minus strand). Cytogenetic location: Xp22.2.
Variant type: Deletion.
Coding change: c.349del on transcript NM_000273.3 (MANE Select); coding-DNA position 349, one base deleted (G; older notation c.349delG).
Protein change: p.Val117fs; shifts the reading frame from valine 117.
Molecular consequence: frameshift variant.
Genome position (GRCh38, 1-based): chrX:9,760,728, C deleted on the plus strand (G on the coding strand, the reverse complement: GPR143 is on the minus strand). VCF-style (leftmost placement, unchanged base first): chrX-9760727-AC-A. GRCh37 (hg19) VCF-style: chrX-9728767-AC-A.
Other names: short protein forms V117fs.
Identifiers: ClinVar variation 2506566 (VCV002506566.2), dbSNP rs2518638150, ClinGen allele CA2580615366.
Genomic context (GRCh38, chrX:9,760,727, plus strand): 5'-TTGAGGAGCATAAGTAGGGAGGAGAGGGCATGCAGAGGGGGTGGACTCACCGCACTCCCC[AC>A]GCAGAAAGCAGCAGGCCAAATTTCCGTGTGGTTCATATCCGAGACGCTGTCAACAAAATT-3'